The following is an entry in ClinVar:

NM_001005373.4(LRSAM1):c.1043+1G>A

Gene: LRSAM1 (leucine rich repeat and sterile alpha motif containing 1; plus strand). Cytogenetic location: 9q33.3.
Variant type: single nucleotide variant.
Coding change: c.1043+1G>A on transcript NM_001005373.4 (MANE Select); the canonical splice donor site of the intron after coding-DNA position 1043, G replaced by A.
Molecular consequence: splice donor variant.
Genome position (GRCh38, 1-based): chr9:127,479,979, G>A. VCF-style: chr9-127479979-G-A. GRCh37 (hg19) VCF-style: chr9-130242258-G-A.
Other names: c.1043+1G>A (NM_138361.5, NM_001384142.1, NM_001384143.1 and 2 more transcripts); c.254+1G>A (NM_001384144.1).
Identifiers: ClinVar variation 953272 (VCV000953272.9), dbSNP rs373571535, ClinGen allele CA374931659.

ClinVar aggregate classification (germline): Conflicting classifications of pathogenicity. Review status: criteria provided, conflicting classifications (1 of 4 stars). 2 submissions from 2 submitters: Likely pathogenic (1); Uncertain significance (1). Last evaluated 2022-12-28.

Conditions:
Charcot-Marie-Tooth disease axonal type 2P. Also called: CHARCOT-MARIE-TOOTH NEUROPATHY, TYPE 2P; Charcot-Marie-Tooth Neuropathy Type 2G; CHARCOT-MARIE-TOOTH DISEASE, AXONAL, TYPE 2G; CMT 2G. Identifiers: Orphanet 300319, Orphanet 99941, MedGen C3280797, MONDO:0013753, OMIM 614436.

gnomAD v4.1: 1 of 1,614,220 alleles (0.000062%); highest among the groups gnomAD compares: Non-Finnish European, 0.000085%; no homozygotes.

Submissions (2):

GeneDx
Classification: Uncertain significance. Last evaluated: 2022-12-28. Review status: criteria provided, single submitter. Criteria: GeneDx Variant Classification Process June 2021. Collection method: clinical testing. Allele origin: germline. Affected: yes.
Comment: Canonical splice site variant in a gene or region of a gene for which loss of function is not a well-established mechanism of disease; Not observed at significant frequency in large population cohorts (gnomAD); Has not been previously published as pathogenic or benign to our knowledge; This variant is associated with the following publications: (PMID: 20865121)

Labcorp Genetics (formerly Invitae), Labcorp
Classification: Likely pathogenic for Charcot-Marie-Tooth disease axonal type 2P. Last evaluated: 2019-07-24. Review status: criteria provided, single submitter. Criteria: Invitae Variant Classification Sherloc (09022015). Collection method: clinical testing. Allele origin: germline.
Comment: Donor and acceptor splice site variants typically lead to a loss of protein function (PMID: 16199547), and loss-of-function variants in LRSAM1 are known to be pathogenic (PMID: 20865121). This sequence change affects a donor splice site in intron 13 of the LRSAM1 gene. It is expected to disrupt RNA splicing and likely results in an absent or disrupted protein product. This variant is not present in population databases (ExAC no frequency). This variant has not been reported in the literature in individuals with LRSAM1-related conditions. In summary, the currently available evidence indicates that the variant is pathogenic, but additional data are needed to prove that conclusively. Therefore, this variant has been classified as Likely Pathogenic.

Literature cited by the submitters: PubMed 16199547 (cited by Labcorp Genetics (formerly Invitae), Labcorp); PubMed 20865121 (cited by Labcorp Genetics (formerly Invitae), Labcorp).